The following is an entry in ClinVar:

ClinVar aggregate classification (germline): Benign/Likely benign. Review status: criteria provided, multiple submitters, no conflicts (2 of 4 stars). 4 submissions from 4 submitters: Benign (1); Likely benign (3). Last evaluated 2025-12-13.

Conditions:
Cornelia de Lange syndrome 1 (CDLS1). Also called: TYPUS DEGENERATIVUS AMSTELODAMENSIS; Brachmann de Lange syndrome; NIPBL-Related Cornelia de Lange Syndrome. Identifiers: Orphanet 199, MedGen C4551851, MONDO:0007387, OMIM 122470.

Allele frequency attached by ClinVar (database versions not stated): TOPMed 0.00004; gnomAD 0.00006 and 0.00007; gnomAD exomes 0.00006 and 0.00009; ExAC 0.00011; 1000 Genomes Project 30x 0.00016; 1000 Genomes Project 0.00020.
gnomAD v4.1: 105 of 1,524,522 alleles (0.0069%); highest among the groups gnomAD compares: Middle Eastern, 0.14%; no homozygotes.

Submissions (4):

Labcorp Genetics (formerly Invitae), Labcorp
Classification: Likely benign for Cornelia de Lange syndrome 1. Last evaluated: 2025-12-13. Review status: criteria provided, single submitter. Criteria: Invitae Variant Classification Sherloc (09022015). Collection method: clinical testing. Allele origin: germline.

CeGaT Center for Human Genetics Tuebingen
Classification: Likely benign. Last evaluated: 2025-06-01. Review status: criteria provided, single submitter. Criteria: CeGaT Center For Human Genetics Tuebingen Variant Classification Criteria Version 2. Collection method: clinical testing. Allele origin: germline. Affected: yes. Observed: 1 variant allele.
Comment: NIPBL: BP4, BP7

Blueprint Genetics
Classification: Likely benign. Last evaluated: 2024-06-19. Review status: criteria provided, single submitter. Criteria: ACMG Guidelines, 2015. Collection method: clinical testing. Allele origin: germline.

Athena Diagnostics
Classification: Benign. Last evaluated: 2019-03-27. Review status: criteria provided, single submitter. Criteria: Athena Diagnostics Criteria. Collection method: clinical testing. Allele origin: germline.

NM_133433.4(NIPBL):c.3861C>T (p.Asn1287=)

Gene: NIPBL (NIPBL cohesin loading factor; plus strand). Cytogenetic location: 5p13.2.
Variant type: single nucleotide variant.
Coding change: c.3861C>T on transcript NM_133433.4 (MANE Select); coding-DNA position 3861, C replaced by T.
Protein change: p.Asn1287=; no amino-acid change (asparagine 1287 retained).
Molecular consequence: synonymous variant.
Genome position (GRCh38, 1-based): chr5:37,006,362, C>T. VCF-style: chr5-37006362-C-T. GRCh37 (hg19) VCF-style: chr5-37006464-C-T.
Other names: c.3861C>T, p.Asn1287= (NM_015384.5).
Identifiers: ClinVar variation 805089 (VCV000805089.15), dbSNP rs531615496, ClinGen allele CA3236463.
Genomic context (GRCh38, chr5:37,006,362, plus strand): 5'-ATTTTAAACCTATAAATGTGTTTATTTCCATTTCATTAACAATACTGTTTTACAGAATAA[C>T]GATACTGAAGAAGAAGAAAGGTTATGGAGAGACCTTATTATGGAGAGAGTTACAAAATCA-3'
Protein context (NP_597677.2, residues 1277-1297): SKLSTLLNHN[Asn1287=]DTEEEERLWR